The following is an entry in ClinVar:

NM_000142.5(FGFR3):c.433G>A (p.Gly145Ser)

Gene: FGFR3 (fibroblast growth factor receptor 3; plus strand). Cytogenetic location: 4p16.3.
Variant type: single nucleotide variant.
Coding change: c.433G>A on transcript NM_000142.5 (MANE Select); coding-DNA position 433, G replaced by A.
Protein change: p.Gly145Ser; replaces glycine 145 with serine.
Molecular consequence: missense variant. On other transcripts: non-coding transcript variant (1).
Genome position (GRCh38, 1-based): chr4:1,799,800, G>A. VCF-style: chr4-1799800-G-A. GRCh37 (hg19) VCF-style: chr4-1801527-G-A.
Other names: c.433G>A, p.Gly145Ser (NM_001163213.2, NM_001354809.2, NM_001354810.2 and 1 more transcripts); short protein forms G145S.
Identifiers: ClinVar variation 850575 (VCV000850575.11), dbSNP rs1459930425, ClinGen allele CA355973669.

ClinVar aggregate classification (germline): Uncertain significance. Review status: criteria provided, multiple submitters, no conflicts (2 of 4 stars). 2 submissions from 2 submitters: Uncertain significance (2). Last evaluated 2026-06-23.

Conditions:
FGFR3-related chondrodysplasia. Identifiers: Orphanet 93420, MedGen C5681604, MONDO:0019685.

Allele frequency attached by ClinVar (database versions not stated): gnomAD exomes below 0.00001 and 0.00001.

Submissions (2):

Genomenon, Inc
Classification: Uncertain significance for FGFR3-related chondrodysplasia. Last evaluated: 2026-06-23. Review status: criteria provided, single submitter. Criteria: Genomenon Sequence Variant Interpretation Standards - Updated. Collection method: curation. Allele origin: germline. Affected: no.
Comment: FGFR3 p.Gly145Ser (c.433G>A) is a missense variant that changes the amino acid at codon 145 from Glycine to Serine. This variant has been reported in the published literature (PMID:35885469). It is absent or not present at a significant frequency in gnomAD. In conclusion, we classify FGFR3 p.Gly145Ser (c.433G>A) as a variant of uncertain significance.

Labcorp Genetics (formerly Invitae), Labcorp
Classification: Uncertain significance. Last evaluated: 2019-12-04. Review status: criteria provided, single submitter. Criteria: Invitae Variant Classification Sherloc (09022015). Collection method: clinical testing. Allele origin: germline.
Comment: In summary, the available evidence is currently insufficient to determine the role of this variant in disease. Therefore, it has been classified as a Variant of Uncertain Significance. Algorithms developed to predict the effect of missense changes on protein structure and function (SIFT, PolyPhen-2, Align-GVGD) all suggest that this variant is likely to be tolerated, but these predictions have not been confirmed by published functional studies and their clinical significance is uncertain. This variant has not been reported in the literature in individuals with FGFR3-related conditions. This variant is not present in population databases (ExAC no frequency). This sequence change replaces glycine with serine at codon 145 of the FGFR3 protein (p.Gly145Ser). The glycine residue is weakly conserved and there is a small physicochemical difference between glycine and serine.

Literature cited by the submitters: PubMed 35885469 (cited by Genomenon, Inc).